The following is an entry in ClinVar:

NM_001165963.4(SCN1A):c.1923G>A (p.Met641Ile)

Gene: SCN1A (sodium voltage-gated channel alpha subunit 1; minus strand). Cytogenetic location: 2q24.3.
Variant type: single nucleotide variant.
Coding change: c.1923G>A on transcript NM_001165963.4 (MANE Select); coding-DNA position 1923, G replaced by A.
Protein change: p.Met641Ile; replaces methionine 641 with isoleucine.
Molecular consequence: missense variant. On other transcripts: 5 prime UTR variant (1), non-coding transcript variant (1).
Genome position (GRCh38, 1-based): chr2:166,043,789, C>T on the plus strand (G>A on the coding strand, the complement: SCN1A is on the minus strand). VCF-style: chr2-166043789-C-T. GRCh37 (hg19) VCF-style: chr2-166900299-C-T.
Other names: c.1923G>A, p.Met641Ile (NM_001165964.3, NM_001202435.3, NM_001353948.2 and 7 more transcripts); c.1920G>A, p.Met640Ile (NM_001353954.2, NM_001353955.2, NM_001353960.2); c.-503G>A (NM_001353961.2); short protein forms M640I, M641I.
Identifiers: ClinVar variation 1438764 (VCV001438764.7), dbSNP rs2105842235, ClinGen allele CA349067284.

ClinVar aggregate classification (germline): Uncertain significance (1 of 4 stars; one submission).

Conditions:
Early-infantile DEE. Also called: Ohtahara syndrome; Early infantile epileptic encephalopathy with suppression bursts; Early infantile epileptic encephalopathy. Identifiers: Orphanet 1934, MedGen C0393706, MONDO:0800491.

Submission:

Labcorp Genetics (formerly Invitae), Labcorp
Classification: Uncertain significance for Early-infantile DEE. Last evaluated: 2021-08-16. Review status: criteria provided, single submitter. Criteria: Invitae Variant Classification Sherloc (09022015). Collection method: clinical testing. Allele origin: germline.
Comment: This variant has not been reported in the literature in individuals affected with SCN1A-related conditions. In summary, the available evidence is currently insufficient to determine the role of this variant in disease. Therefore, it has been classified as a Variant of Uncertain Significance. Algorithms developed to predict the effect of missense changes on protein structure and function are either unavailable or do not agree on the potential impact of this missense change (SIFT: "Tolerated"; PolyPhen-2: "Possibly Damaging"; Align-GVGD: "Class C0"). This variant is not present in population databases (ExAC no frequency). This sequence change replaces methionine with isoleucine at codon 641 of the SCN1A protein (p.Met641Ile). The methionine residue is highly conserved and there is a small physicochemical difference between methionine and isoleucine.